The following is an entry in ClinVar:

ClinVar aggregate classification (germline): Pathogenic (1 of 4 stars; one submission).

Conditions:
Multiple congenital exostosis (EXT). Also called: Hereditary multiple exostoses; Hereditary multiple exostosis; Multiple exostoses; Multiple osteochondromas; Hereditary multiple osteochondromas; MULTIPLE CARTILAGINOUS EXOSTOSES. Identifiers: Orphanet 321, MedGen C0015306, MONDO:0005508, HP:0002762.

Submission:

Labcorp Genetics (formerly Invitae), Labcorp
Classification: Pathogenic for Multiple congenital exostosis. Last evaluated: 2022-02-02. Review status: criteria provided, single submitter. Criteria: Invitae Variant Classification Sherloc (09022015). Collection method: clinical testing. Allele origin: germline.
Comment: For these reasons, this variant has been classified as Pathogenic. Algorithms developed to predict the effect of sequence changes on RNA splicing suggest that this variant may create or strengthen a splice site. This variant has not been reported in the literature in individuals affected with EXT1-related conditions. This variant is not present in population databases (gnomAD no frequency). This sequence change creates a premature translational stop signal (p.Tyr469*) in the EXT1 gene. It is expected to result in an absent or disrupted protein product. Loss-of-function variants in EXT1 are known to be pathogenic (PMID: 10679937, 11391482, 19810120).

Literature cited by the submitters: PubMed 10679937; PubMed 11391482; PubMed 19810120.

NM_000127.3(EXT1):c.1407T>G (p.Tyr469Ter)

Gene: EXT1 (exostosin glycosyltransferase 1; minus strand). Cytogenetic location: 8q24.11.
Variant type: single nucleotide variant.
Coding change: c.1407T>G on transcript NM_000127.3 (MANE Select); coding-DNA position 1407, T replaced by G.
Protein change: p.Tyr469Ter; replaces tyrosine 469 with a stop codon.
Molecular consequence: nonsense.
Genome position (GRCh38, 1-based): chr8:117,822,475, A>C on the plus strand (T>G on the coding strand, the complement: EXT1 is on the minus strand). VCF-style: chr8-117822475-A-C. GRCh37 (hg19) VCF-style: chr8-118834714-A-C.
Other names: short protein forms Y469*.
Identifiers: ClinVar variation 2091759 (VCV002091759.4), dbSNP rs2488113598, ClinGen allele CA371887096.